The following is an entry in ClinVar:

NM_032271.3(TRAF7):c.1804G>A (p.Val602Met)

Gene: TRAF7 (TNF receptor associated factor 7; plus strand). Cytogenetic location: 16p13.3.
Variant type: single nucleotide variant.
Coding change: c.1804G>A on transcript NM_032271.3 (MANE Select); coding-DNA position 1804, G replaced by A.
Protein change: p.Val602Met; replaces valine 602 with methionine.
Molecular consequence: missense variant.
Genome position (GRCh38, 1-based): chr16:2,176,106, G>A. VCF-style: chr16-2176106-G-A. GRCh37 (hg19) VCF-style: chr16-2226107-G-A.
Other names: short protein forms V602M.
Identifiers: ClinVar variation 4537145 (VCV004537145.1).

ClinVar aggregate classification (germline): Uncertain significance (1 of 4 stars; one submission).

gnomAD v4.1: 6 of 1,611,268 alleles (0.00037%); highest among the groups gnomAD compares: African/African-American, 0.0027%; no homozygotes.

Submission:

Women's Health and Genetics/Laboratory Corporation of America, LabCorp
Classification: Uncertain significance. Last evaluated: 2025-11-03. Review status: criteria provided, single submitter. Criteria: LabCorp Variant Classification Summary - May 2015. Collection method: clinical testing. Allele origin: germline.
Comment: Variant summary: TRAF7 c.1804G>A (p.Val602Met) results in a conservative amino acid change located in the WD40 repeat region (IPR001680) of the encoded protein sequence. Algorithms developed to predict the effect of missense changes on protein structure and function are either unavailable or do not agree on the potential impact of this missense change. The variant allele was found at a frequency of 7.2e-06 in 279556 control chromosomes. The available data on variant occurrences in the general population are insufficient to allow any conclusion about variant significance. To our knowledge, no occurrence of c.1804G>A in individuals affected with TRAF7-related conditions and no experimental evidence demonstrating its impact on protein function have been reported. No submitters have cited clinical-significance assessments for this variant to ClinVar. Based on the evidence outlined above, the variant was classified as uncertain significance.